The following is an entry in ClinVar:

NM_000078.3(CETP):c.877G>C (p.Val293Leu)

Gene: CETP (cholesteryl ester transfer protein; plus strand). Cytogenetic location: 16q13.
Variant type: single nucleotide variant.
Coding change: c.877G>C on transcript NM_000078.3 (MANE Select); coding-DNA position 877, G replaced by C.
Protein change: p.Val293Leu; replaces valine 293 with leucine.
Molecular consequence: missense variant. On other transcripts: intron variant (1).
Genome position (GRCh38, 1-based): chr16:56,973,457, G>C. VCF-style: chr16-56973457-G-C. GRCh37 (hg19) VCF-style: chr16-57007369-G-C.
Other names: c.750+1374G>C (NM_001286085.2); short protein forms V293L.
Identifiers: ClinVar variation 2769073 (VCV002769073.3), dbSNP rs2543651399, ClinGen allele CA396003293.

ClinVar aggregate classification (germline): Uncertain significance (1 of 4 stars; one submission).

Submission:

Labcorp Genetics (formerly Invitae), Labcorp
Classification: Uncertain significance. Last evaluated: 2023-10-25. Review status: criteria provided, single submitter. Criteria: Invitae Variant Classification Sherloc (09022015). Collection method: clinical testing. Allele origin: germline.
Comment: This sequence change replaces valine, which is neutral and non-polar, with leucine, which is neutral and non-polar, at codon 293 of the CETP protein (p.Val293Leu). This variant is not present in population databases (gnomAD no frequency). This variant has not been reported in the literature in individuals affected with CETP-related conditions. Advanced modeling of protein sequence and biophysical properties (such as structural, functional, and spatial information, amino acid conservation, physicochemical variation, residue mobility, and thermodynamic stability) performed at Invitae indicates that this missense variant is not expected to disrupt CETP protein function with a negative predictive value of 80%. In summary, the available evidence is currently insufficient to determine the role of this variant in disease. Therefore, it has been classified as a Variant of Uncertain Significance.